The following is an entry in ClinVar:

ClinVar aggregate classification (germline): Likely pathogenic (1 of 4 stars; one submission).

Conditions:
Very long chain acyl-CoA dehydrogenase deficiency (ACADVLD). Also called: Very Long-Chain Acyl-Coenzyme A Dehydrogenase Deficiency; VLCAD Deficiency. Identifiers: Orphanet 26793, MedGen C3887523, MONDO:0008723, OMIM 201475.

Allele frequency attached by ClinVar (database versions not stated): gnomAD exomes below 0.00001.
gnomAD v4.1: 1 of 1,614,092 alleles (0.000062%); highest among the groups gnomAD compares: Non-Finnish European, 0.000085%; no homozygotes.

Submission:

Labcorp Genetics (formerly Invitae), Labcorp
Classification: Likely pathogenic for Very long chain acyl-CoA dehydrogenase deficiency. Last evaluated: 2023-03-10. Review status: criteria provided, single submitter. Criteria: Invitae Variant Classification Sherloc (09022015). Collection method: clinical testing. Allele origin: germline.
Comment: In summary, the currently available evidence indicates that the variant is pathogenic, but additional data are needed to prove that conclusively. Therefore, this variant has been classified as Likely Pathogenic. This variant disrupts the p.Lys247 amino acid residue in ACADVL. Other variant(s) that disrupt this residue have been determined to be pathogenic (PMID: 10077518, 10790204). This suggests that this residue is clinically significant, and that variants that disrupt this residue are likely to be disease-causing. This sequence change replaces lysine, which is basic and polar, with arginine, which is basic and polar, at codon 247 of the ACADVL protein (p.Lys247Arg). This variant is not present in population databases (gnomAD no frequency). This variant has not been reported in the literature in individuals affected with ACADVL-related conditions. ClinVar contains an entry for this variant (Variation ID: 1460759). Advanced modeling of protein sequence and biophysical properties (such as structural, functional, and spatial information, amino acid conservation, physicochemical variation, residue mobility, and thermodynamic stability) performed at Invitae indicates that this missense variant is expected to disrupt ACADVL protein function.

Literature cited by the submitters: PubMed 10077518; PubMed 10790204.

NM_000018.4(ACADVL):c.740A>G (p.Lys247Arg)

Gene: ACADVL (acyl-CoA dehydrogenase very long chain; plus strand). Cytogenetic location: 17p13.1.
Variant type: single nucleotide variant.
Coding change: c.740A>G on transcript NM_000018.4 (MANE Select); coding-DNA position 740, A replaced by G.
Protein change: p.Lys247Arg; replaces lysine 247 with arginine.
Molecular consequence: missense variant.
Genome position (GRCh38, 1-based): chr17:7,222,069, A>G. VCF-style: chr17-7222069-A-G. GRCh37 (hg19) VCF-style: chr17-7125388-A-G.
Other names: c.674A>G, p.Lys225Arg (NM_001033859.3); c.809A>G, p.Lys270Arg (NM_001270447.2); c.512A>G, p.Lys171Arg (NM_001270448.2); short protein forms K171R, K247R, K270R, K225R.
Identifiers: ClinVar variation 1460759 (VCV001460759.8), dbSNP rs2142977168, ClinGen allele CA397723576.